The following is an entry in ClinVar:

NM_000170.3(GLDC):c.197_198delinsAA (p.Arg66Lys)

Gene: GLDC (glycine decarboxylase; minus strand). Cytogenetic location: 9p24.1.
Variant type: Indel.
Coding change: c.197_198delinsAA on transcript NM_000170.3 (MANE Select); coding-DNA positions 197 to 198, GG replaced by AA.
Protein change: p.Arg66Lys; replaces arginine 66 with lysine.
Molecular consequence: missense variant.
Genome position (GRCh38, 1-based): chr9:6,645,302-6,645,303, CC replaced by TT on the plus strand (GG replaced by AA on the coding strand, the reverse complement: GLDC is on the minus strand). VCF-style: chr9-6645302-CC-TT. GRCh37 (hg19) VCF-style: chr9-6645302-CC-TT.
Other names: c.197_198delinsAA (NM_000170.2); c.197_198delGGinsAA (NM_000170.2); short protein forms R66K.
Identifiers: ClinVar variation 462864 (VCV000462864.4), dbSNP rs1554652780, ClinGen allele CA658657858.
Genomic context (GRCh38, chr9:6,645,302, plus strand): 5'-TACCGCCAGCCCCAAGGTCTGCAGCATCTCTCTCTGGTCTTTGTCCCCAGGGCCGATGTG[CC>TT]TCCGAGCGAAGTCGTCGTGTCTGGGCAGAAGGCGCTCCAGGAGGCGCGAGGCCCCAGCCG-3'
Protein context (NP_000161.2, residues 56-76): LLPRHDDFAR[Arg66Lys]HIGPGDKDQR

ClinVar aggregate classification (germline): Uncertain significance. Review status: criteria provided, multiple submitters, no conflicts (2 of 4 stars). 2 submissions from 2 submitters: Uncertain significance (2). Last evaluated 2025-07-24.

Conditions:
Glycine encephalopathy. Also called: Nonketotic hyperglycinemia; Non-ketotic hyperglycinemia. Identifiers: Orphanet 407, MedGen C0751748, MONDO:0011612, HP:0008288.

Submissions (2):

GeneDx
Classification: Uncertain significance. Last evaluated: 2025-07-24. Review status: criteria provided, single submitter. Criteria: GeneDx Variant Classification Process June 2021. Collection method: clinical testing. Allele origin: germline. Affected: yes.
Comment: Not observed at significant frequency in large population cohorts (gnomAD); In silico analysis supports a deleterious effect on protein structure/function; Has not been previously published as pathogenic or benign to our knowledge

Labcorp Genetics (formerly Invitae), Labcorp
Classification: Uncertain significance for Glycine encephalopathy. Last evaluated: 2022-07-05. Review status: criteria provided, single submitter. Criteria: Invitae Variant Classification Sherloc (09022015). Collection method: clinical testing. Allele origin: germline.
Comment: This sequence change replaces arginine, which is basic and polar, with lysine, which is basic and polar, at codon 66 of the GLDC protein (p.Arg66Lys). The frequency data for this variant in the population databases is considered unreliable, as metrics indicate poor data quality at this position in the gnomAD database. This variant has not been reported in the literature in individuals affected with GLDC-related conditions. ClinVar contains an entry for this variant (Variation ID: 462864). Algorithms developed to predict the effect of missense changes on protein structure and function are either unavailable or do not agree on the potential impact of this missense change (SIFT: "Not Available"; PolyPhen-2: "Possibly Damaging"; Align-GVGD: "Not Available"). In summary, the available evidence is currently insufficient to determine the role of this variant in disease. Therefore, it has been classified as a Variant of Uncertain Significance.